The following is an entry in ClinVar:

ClinVar aggregate classification (germline): Uncertain significance (1 of 4 stars; one submission).

Conditions:
Atrioventricular septal defect 5 (AVSD5). Identifiers: MedGen C3280939, MONDO:0013769, OMIM 614474.

gnomAD v4.1: 3 of 1,455,552 alleles (0.00021%); highest among the groups gnomAD compares: Admixed American, 0.0021%; no homozygotes.

Submission:

Labcorp Genetics (formerly Invitae), Labcorp
Classification: Uncertain significance for Atrioventricular septal defect 5. Last evaluated: 2021-07-03. Review status: criteria provided, single submitter. Criteria: Invitae Variant Classification Sherloc (09022015). Collection method: clinical testing. Allele origin: germline.
Comment: In summary, the available evidence is currently insufficient to determine the role of this variant in disease. Therefore, it has been classified as a Variant of Uncertain Significance. Algorithms developed to predict the effect of sequence changes on RNA splicing suggest that this variant may create or strengthen a splice site. Algorithms developed to predict the effect of missense changes on protein structure and function are either unavailable or do not agree on the potential impact of this missense change (SIFT: "Deleterious"; PolyPhen-2: "Probably Damaging"; Align-GVGD: "Class C0"). This variant has not been reported in the literature in individuals affected with GATA6-related conditions. The frequency data for this variant in the population databases is considered unreliable, as metrics indicate insufficient coverage at this position in the ExAC database. This sequence change replaces glycine with arginine at codon 352 of the GATA6 protein (p.Gly352Arg). The glycine residue is moderately conserved and there is a moderate physicochemical difference between glycine and arginine.

NM_005257.6(GATA6):c.1054G>A (p.Gly352Arg)

Gene: GATA6 (GATA binding protein 6; plus strand). Cytogenetic location: 18q11.2.
Variant type: single nucleotide variant.
Coding change: c.1054G>A on transcript NM_005257.6 (MANE Select); coding-DNA position 1054, G replaced by A.
Protein change: p.Gly352Arg; replaces glycine 352 with arginine.
Molecular consequence: missense variant.
Genome position (GRCh38, 1-based): chr18:22,172,198, G>A. VCF-style: chr18-22172198-G-A. GRCh37 (hg19) VCF-style: chr18-19752159-G-A.
Other names: short protein forms G352R.
Identifiers: ClinVar variation 1346382 (VCV001346382.8), dbSNP rs1369316608, ClinGen allele CA401801707.